The following is an entry in ClinVar:

NM_177438.3(DICER1):c.4264GAG[6] (p.Glu1425_Ser1426insGluGlu)

Gene: DICER1 (dicer 1, ribonuclease III; minus strand). Cytogenetic location: 14q32.13.
Variant type: Microsatellite.
Coding change: c.4264GAG[6] on transcript NM_177438.3 (MANE Select); six copies in a row of the 3-base unit GAG starting at c.4264; the reference has four copies in a row; two copies, 6 bases duplicated.
Protein change: p.Glu1425_Ser1426insGluGlu.
Molecular consequence: inframe insertion. On other transcripts: frameshift variant (2), non-coding transcript variant (6).
Genome position (GRCh38, 1-based): chr14:95,096,645-95,096,650, CTCCTC duplicated on the plus strand (GAGGAG on the coding strand, the reverse complement: DICER1 is on the minus strand); duplicating any 6 consecutive bases within chr14:95,096,645-95,096,656 gives the same sequence; the position shown is the placement nearest the transcript's 3' end. VCF-style (leftmost placement, unchanged base first): chr14-95096644-T-TCTCCTC. GRCh37 (hg19) VCF-style: chr14-95562981-T-TCTCCTC.
Other names: c.4270_4275dupGAGGAG (NM_177438.2); c.4264GAG[6], p.Glu1425_Ser1426insGluGlu (NM_001395678.1, NM_001395679.1, NM_001395680.1 and 12 more transcripts); c.3982GAG[6], p.Glu1331_Ser1332insGluGlu (NM_001395686.1); c.3859GAG[6], p.Glu1290_Ser1291insGluGlu (NM_001395687.1, NM_001395688.1, NM_001395689.1 and 2 more transcripts); c.3697GAG[6], p.Glu1236_Ser1237insGluGlu (NM_001395691.1); c.2581GAG[6], p.Glu864_Ser865insGluGlu (NM_001395697.1); c.4264_4266GAG[6], p.Ser1426Glufs (NM_177438.2).
Identifiers: ClinVar variation 3271996 (VCV003271996.1).

ClinVar aggregate classification (germline): Uncertain significance (1 of 4 stars; one submission).

Conditions:
Hereditary cancer-predisposing syndrome. Also called: Tumor predisposition; Hereditary Cancer Syndrome; Hereditary neoplastic syndrome; Neoplastic Syndromes, Hereditary. Identifiers: Orphanet 140162, MedGen C0027672, MeSH D009386, MONDO:0015356.

Submission:

Ambry Genetics
Classification: Uncertain significance for Hereditary cancer-predisposing syndrome. Last evaluated: 2024-04-24. Review status: criteria provided, single submitter. Criteria: Ambry Variant Classification Scheme 2023. Collection method: clinical testing. Allele origin: germline.
Comment: The c.4270_4275dupGAGGAG variant (also known as p.E1424_E1425dup), located in coding exon 22 of the DICER1 gene, results from an in-frame duplication of GAGGAG at nucleotide positions 4270 to 4275. This results in the duplication of 2 extra residues (EE) between codons 1424 and 1425. These amino acid positions are not well conserved in available vertebrate species. In addition, this alteration is predicted to be neutral by in silico analysis (Choi Y et al. PLoS ONE. 2012; 7(10):e46688). Based on the available evidence, the clinical significance of this variant remains unclear.